The following is an entry in ClinVar:

ClinVar aggregate classification (germline): Uncertain significance (1 of 4 stars; one submission).

Submission:

GeneDx
Classification: Uncertain significance. Last evaluated: 2024-11-22. Review status: criteria provided, single submitter. Criteria: GeneDx Variant Classification Process June 2021. Collection method: clinical testing. Allele origin: germline. Affected: yes.
Comment: Not observed at significant frequency in large population cohorts (gnomAD); In silico analysis indicates that this missense variant does not alter protein structure/function; Has not been previously published as pathogenic or benign to our knowledge

NM_004341.5(CAD):c.5500C>T (p.Pro1834Ser)

Gene: CAD (carbamoyl-phosphate synthetase 2, aspartate transcarbamylase, and dihydroorotase; plus strand). Cytogenetic location: 2p23.3.
Variant type: single nucleotide variant.
Coding change: c.5500C>T on transcript NM_004341.5 (MANE Select); coding-DNA position 5500, C replaced by T.
Protein change: p.Pro1834Ser; replaces proline 1834 with serine.
Molecular consequence: missense variant.
Genome position (GRCh38, 1-based): chr2:27,240,268, C>T. VCF-style: chr2-27240268-C-T. GRCh37 (hg19) VCF-style: chr2-27463136-C-T.
Other names: c.5311C>T, p.Pro1771Ser (NM_001306079.2); short protein forms P1771S, P1834S.
Identifiers: ClinVar variation 3900425 (VCV003900425.1).